The following is an entry in ClinVar:

NM_025074.7(FRAS1):c.3700G>A (p.Ala1234Thr)

Gene: FRAS1 (Fraser extracellular matrix complex subunit 1; plus strand). Cytogenetic location: 4q21.21.
Variant type: single nucleotide variant.
Coding change: c.3700G>A on transcript NM_025074.7 (MANE Select); coding-DNA position 3700, G replaced by A.
Protein change: p.Ala1234Thr; replaces alanine 1234 with threonine.
Molecular consequence: missense variant.
Genome position (GRCh38, 1-based): chr4:78,387,426, G>A. VCF-style: chr4-78387426-G-A. GRCh37 (hg19) VCF-style: chr4-79308580-G-A.
Other names: c.3700G>A, p.Ala1234Thr (NM_001166133.2); c.3700G>A (NM_025074.6); short protein forms A1234T.
Identifiers: ClinVar variation 221949 (VCV000221949.4), dbSNP rs199940702, ClinGen allele CA072660.

ClinVar aggregate classification (germline): Conflicting classifications of pathogenicity. Review status: criteria provided, conflicting classifications (1 of 4 stars). 4 submissions from 4 submitters: Uncertain significance (2); Likely benign (2). Last evaluated 2024-09-18.

Conditions:
Rieger anomaly (RIEG). Also called: Goniodysgenesis hypodontia; Iridogoniodysgenesis with somatic anomalies. Identifiers: Orphanet 91483, MedGen C0265341, MONDO:0019628, HP:0000558.

Allele frequency attached by ClinVar (database versions not stated): ExAC 0.00023; gnomAD 0.00015 and 0.00019; ESP Exome Variant Server 0.00016; TOPMed 0.00018; gnomAD exomes 0.00022.
gnomAD v4.1: 428 of 1,613,392 alleles (0.027%); highest among the groups gnomAD compares: Middle Eastern, 0.12%; no homozygotes.

Submissions (4):

GeneDx
Classification: Uncertain significance. Last evaluated: 2024-09-18. Review status: criteria provided, single submitter. Criteria: GeneDx Variant Classification Process June 2021. Collection method: clinical testing. Allele origin: germline. Affected: yes.
Comment: Reported in an individual with Axenfeld-Rieger anomaly, however a second FRAS1 variant was not identified and this individual harbored variants in other genes (PMID: 26893459); In silico analysis indicates that this missense variant does not alter protein structure/function; This variant is associated with the following publications: (PMID: 26893459)

Labcorp Genetics (formerly Invitae), Labcorp
Classification: Uncertain significance. Last evaluated: 2022-06-01. Review status: criteria provided, single submitter. Criteria: Invitae Variant Classification Sherloc (09022015). Collection method: clinical testing. Allele origin: germline.
Comment: This sequence change replaces alanine, which is neutral and non-polar, with threonine, which is neutral and polar, at codon 1234 of the FRAS1 protein (p.Ala1234Thr). This variant is present in population databases (rs199940702, gnomAD 0.06%). This variant has not been reported in the literature in individuals affected with FRAS1-related conditions. ClinVar contains an entry for this variant (Variation ID: 221949). Algorithms developed to predict the effect of missense changes on protein structure and function are either unavailable or do not agree on the potential impact of this missense change (SIFT: "Deleterious"; PolyPhen-2: "Benign"; Align-GVGD: "Class C0"). In summary, the available evidence is currently insufficient to determine the role of this variant in disease. Therefore, it has been classified as a Variant of Uncertain Significance.

Paul Sabatier University EA-4555, Paul Sabatier University
Classification: Likely benign for Rieger anomaly. Last evaluated: 2013-01-01. Review status: criteria provided, single submitter. Criteria: Chassaing et al. (Genome Res. 2016). Collection method: clinical testing. Allele origin: inherited. Affected: yes. Observed: 1 heterozygote.

Breakthrough Genomics
Classification: Likely benign. Review status: criteria provided, single submitter. Criteria: ACMG Guidelines, 2015. Collection method: not provided. Allele origin: germline. Inheritance: Autosomal recessive inheritance. Affected: yes.